The following is an entry in ClinVar:

NM_001206999.2(CIT):c.249C>G (p.Thr83=)

Gene: CIT (citron rho-interacting serine/threonine kinase; minus strand). Cytogenetic location: 12q24.23.
Variant type: single nucleotide variant.
Coding change: c.249C>G on transcript NM_001206999.2 (MANE Select); coding-DNA position 249, C replaced by G.
Protein change: p.Thr83=; no amino-acid change (threonine 83 retained).
Molecular consequence: synonymous variant.
Genome position (GRCh38, 1-based): chr12:119,857,688, G>C on the plus strand (C>G on the coding strand, the complement: CIT is on the minus strand). VCF-style: chr12-119857688-G-C. GRCh37 (hg19) VCF-style: chr12-120295492-G-C.
Other names: c.249C>G, p.Thr83= (NM_007174.3).
Identifiers: ClinVar variation 1694680 (VCV001694680.31), dbSNP rs2138308213, ClinGen allele CA482065113.
Genomic context (GRCh38, chr12:119,857,688, plus strand): 5'-TACAAGACTTCTGACTTCGAAGTCCTTTGCCGAAGGCTGGAGCTCCTGTAACTCAGCTAT[G>C]GTGTCGGAATCTGCAAAAGATGCAAGAGTTAGCCCCAGGTAAATAAAGCATGCAAATATA-3'
Protein context (NP_001193928.1, residues 73-93): VSNFVRKYSD[Thr83=]IAELQELQPS

ClinVar aggregate classification (germline): Likely benign (1 of 4 stars; one submission).

Submission:

CeGaT Center for Human Genetics Tuebingen
Classification: Likely benign. Last evaluated: 2022-04-01. Review status: criteria provided, single submitter. Criteria: CeGaT Center For Human Genetics Tuebingen Variant Classification Criteria Version 2. Collection method: clinical testing. Allele origin: germline. Affected: yes. Observed: 1 variant allele.
Comment: CIT: PM2:Supporting, BP4, BP7